The following is an entry in ClinVar:

ClinVar aggregate classification (germline): Uncertain significance. Review status: criteria provided, multiple submitters, no conflicts (2 of 4 stars). 2 submissions from 2 submitters: Uncertain significance (2). Last evaluated 2025-08-24.

Conditions:
Inborn genetic diseases. Identifiers: MedGen C0950123, MeSH D030342.

gnomAD v4.1: 101 of 1,611,080 alleles (0.0063%); highest among the groups gnomAD compares: Middle Eastern, 0.033%; no homozygotes.

Submissions (2):

Ambry Genetics
Classification: Uncertain significance for Inborn genetic diseases. Last evaluated: 2025-08-24. Review status: criteria provided, single submitter. Criteria: Ambry Variant Classification Scheme 2023. Collection method: clinical testing. Allele origin: germline.

Labcorp Genetics (formerly Invitae), Labcorp
Classification: Uncertain significance. Last evaluated: 2024-07-15. Review status: criteria provided, single submitter. Criteria: Invitae Variant Classification Sherloc (09022015). Collection method: clinical testing. Allele origin: germline.
Comment: This sequence change replaces arginine, which is basic and polar, with histidine, which is basic and polar, at codon 830 of the LEMD3 protein (p.Arg830His). This variant is present in population databases (no rsID available, gnomAD 0.004%). This variant has not been reported in the literature in individuals affected with LEMD3-related conditions. ClinVar contains an entry for this variant (Variation ID: 1357130). Advanced modeling of protein sequence and biophysical properties (such as structural, functional, and spatial information, amino acid conservation, physicochemical variation, residue mobility, and thermodynamic stability) performed at Invitae indicates that this missense variant is expected to disrupt LEMD3 protein function with a positive predictive value of 80%. In summary, the available evidence is currently insufficient to determine the role of this variant in disease. Therefore, it has been classified as a Variant of Uncertain Significance.

NM_014319.5(LEMD3):c.2489G>A (p.Arg830His)

Gene: LEMD3 (LEM domain containing 3; plus strand). Cytogenetic location: 12q14.3.
Variant type: single nucleotide variant.
Coding change: c.2489G>A on transcript NM_014319.5 (MANE Select); coding-DNA position 2489, G replaced by A.
Protein change: p.Arg830His; replaces arginine 830 with histidine.
Molecular consequence: missense variant.
Genome position (GRCh38, 1-based): chr12:65,245,770, G>A. VCF-style: chr12-65245770-G-A. GRCh37 (hg19) VCF-style: chr12-65639550-G-A.
Other names: c.2486G>A, p.Arg829His (NM_001167614.2); c.2489G>A (NM_014319.4); short protein forms R829H, R830H.
Identifiers: ClinVar variation 1357130 (VCV001357130.8), dbSNP rs774790837, ClinGen allele CA385675704.